The following is an entry in ClinVar:

NM_003072.5(SMARCA4):c.608C>A (p.Ala203Glu)

Gene: SMARCA4 (SWI/SNF related BAF chromatin remodeling complex subunit ATPase 4; plus strand). Cytogenetic location: 19p13.2.
Variant type: single nucleotide variant.
Coding change: c.608C>A on transcript NM_003072.5 (MANE Select); coding-DNA position 608, C replaced by A.
Protein change: p.Ala203Glu; replaces alanine 203 with glutamic acid.
Molecular consequence: missense variant. On other transcripts: non-coding transcript variant (1).
Genome position (GRCh38, 1-based): chr19:10,986,441, C>A. VCF-style: chr19-10986441-C-A. GRCh37 (hg19) VCF-style: chr19-11097117-C-A.
Other names: c.608C>A, p.Ala203Glu (NM_001128844.3, NM_001128845.2, NM_001128846.2 and 4 more transcripts); c.608C>A (NM_001128849.2); short protein forms A203E.
Identifiers: ClinVar variation 826177 (VCV000826177.5), dbSNP rs780497718, ClinGen allele CA305286795.

ClinVar aggregate classification (germline): Uncertain significance. Review status: criteria provided, multiple submitters, no conflicts (2 of 4 stars). 2 submissions from 2 submitters: Uncertain significance (2). Last evaluated 2026-10-01.

Conditions:
Rhabdoid tumor predisposition syndrome 2 (RTPS2). Identifiers: Orphanet 231108, Orphanet 69077, MedGen C2750074, MONDO:0013224, OMIM 613325.
Hereditary cancer-predisposing syndrome. Also called: Hereditary Cancer Syndrome; Tumor predisposition; Neoplastic Syndromes, Hereditary; Hereditary neoplastic syndrome. Identifiers: Orphanet 140162, MedGen C0027672, MeSH D009386, MONDO:0015356.

gnomAD v4.1: 1 of 1,567,404 alleles (0.000064%); highest among the groups gnomAD compares: Admixed American, 0.0019%; no homozygotes.

Submissions (2):

St. Jude Molecular Pathology, St. Jude Children's Research Hospital
Classification: Uncertain significance for Rhabdoid tumor predisposition syndrome 2. Last evaluated: 2026-10-01. Review status: criteria provided, single submitter. Criteria: St. Jude Assertion Criteria 2020. Collection method: clinical testing. Allele origin: germline.
Comment: The SMARCA4 c.608C>A p.(Ala203Glu) missense change is absent in gnomAD v2.1.1. The in silico tool REVEL predicts a deleterious effect on protein function, but to our knowledge this prediction has not been confirmed by functional studies. To our knowledge, this variant has not been reported in individuals with rhabdoid tumor predisposition syndrome. In summary, the evidence currently available is insufficient to determine the clini cal significance of this variant. It has therefore been classified as of uncertain significance.

Ambry Genetics
Classification: Uncertain significance for Hereditary cancer-predisposing syndrome. Last evaluated: 2019-11-20. Review status: criteria provided, single submitter. Criteria: Ambry Variant Classification Scheme 2023. Collection method: clinical testing. Allele origin: germline.
Comment: The p.A203E variant (also known as c.608C>A), located in coding exon 3 of the SMARCA4 gene, results from a C to A substitution at nucleotide position 608. The alanine at codon 203 is replaced by glutamic acid, an amino acid with dissimilar properties. This amino acid position is highly conserved in available vertebrate species. In addition, this alteration is predicted to be deleterious by in silico analysis. Since supporting evidence is limited at this time, the clinical significance of this alteration remains unclear.